The following is an entry in ClinVar:

ClinVar aggregate classification (germline): Uncertain significance (1 of 4 stars; one submission).

Submission:

GeneDx
Classification: Uncertain significance. Last evaluated: 2024-02-20. Review status: criteria provided, single submitter. Criteria: GeneDx Variant Classification Process June 2021. Collection method: clinical testing. Allele origin: germline. Affected: yes.
Comment: Not observed at significant frequency in large population cohorts (gnomAD); Frameshift variant predicted to result in abnormal protein length as the last 83 amino acids are replaced with 13 different amino acids; Has not been previously published as pathogenic or benign to our knowledge

NM_012479.4(YWHAG):c.493dup (p.Met165fs)

Gene: YWHAG (tyrosine 3-monooxygenase/tryptophan 5-monooxygenase activation protein gamma; minus strand). Cytogenetic location: 7q11.23.
Variant type: Duplication.
Coding change: c.493dup on transcript NM_012479.4 (MANE Select); coding-DNA position 493, one base duplicated (A; older notation c.493dupA).
Protein change: p.Met165fs; shifts the reading frame from methionine 165.
Molecular consequence: frameshift variant.
Genome position (GRCh38, 1-based): chr7:76,329,828, T duplicated on the plus strand (A on the coding strand, the reverse complement: YWHAG is on the minus strand). VCF-style (leftmost placement, unchanged base first): chr7-76329827-A-AT. GRCh37 (hg19) VCF-style: chr7-75959144-A-AT.
Other names: short protein forms M165fs.
Identifiers: ClinVar variation 3369481 (VCV003369481.1).